The following is an entry in ClinVar:

NM_001394372.1(BICRA):c.1828G>T (p.Ala610Ser)

Gene: BICRA (BRD4 interacting chromatin remodeling complex associated protein; plus strand). Cytogenetic location: 19q13.33.
Variant type: single nucleotide variant.
Coding change: c.1828G>T on transcript NM_001394372.1 (MANE Select); coding-DNA position 1828, G replaced by T.
Protein change: p.Ala610Ser; replaces alanine 610 with serine.
Molecular consequence: missense variant.
Genome position (GRCh38, 1-based): chr19:47,680,998, G>T. VCF-style: chr19-47680998-G-T. GRCh37 (hg19) VCF-style: chr19-48184255-G-T.
Other names: c.1828G>T, p.Ala610Ser (NM_015711.3); short protein forms A610S.
Identifiers: ClinVar variation 2412985 (VCV002412985.3), dbSNP rs1208303264, ClinGen allele CA406616003.

ClinVar aggregate classification (germline): Uncertain significance (1 of 4 stars; one submission).

Submission:

GeneDx
Classification: Uncertain significance. Last evaluated: 2022-07-25. Review status: criteria provided, single submitter. Criteria: GeneDx Variant Classification Process June 2021. Collection method: clinical testing. Allele origin: germline. Affected: yes.
Comment: Not observed at significant frequency in large population cohorts (gnomAD); In silico analysis supports that this missense variant does not alter protein structure/function; Has not been previously published as pathogenic or benign to our knowledge